The following is an entry in ClinVar:

NM_000283.4(PDE6B):c.1257G>C (p.Glu419Asp)

Gene: PDE6B (phosphodiesterase 6B; plus strand). Cytogenetic location: 4p16.3.
Variant type: single nucleotide variant.
Coding change: c.1257G>C on transcript NM_000283.4 (MANE Select); coding-DNA position 1257, G replaced by C.
Protein change: p.Glu419Asp; replaces glutamic acid 419 with aspartic acid.
Molecular consequence: missense variant.
Genome position (GRCh38, 1-based): chr4:657,023, G>C. VCF-style: chr4-657023-G-C. GRCh37 (hg19) VCF-style: chr4-650812-G-C.
Other names: c.1257G>C, p.Glu419Asp (NM_001145291.2); c.420G>C, p.Glu140Asp (NM_001145292.2, NM_001350154.3, NM_001379246.1 and 1 more transcripts); c.102G>C, p.Glu34Asp (NM_001350155.3); short protein forms E140D, E34D, E419D.
Identifiers: ClinVar variation 3684225 (VCV003684225.2).

ClinVar aggregate classification (germline): Uncertain significance (1 of 4 stars; one submission).

gnomAD v4.1: 15 of 1,612,882 alleles (0.00093%); highest among the groups gnomAD compares: African/African-American, 0.0013%; no homozygotes.

Submission:

Labcorp Genetics (formerly Invitae), Labcorp
Classification: Uncertain significance. Last evaluated: 2024-09-23. Review status: criteria provided, single submitter. Criteria: Invitae Variant Classification Sherloc (09022015). Collection method: clinical testing. Allele origin: germline.
Comment: This sequence change replaces glutamic acid, which is acidic and polar, with aspartic acid, which is acidic and polar, at codon 419 of the PDE6B protein (p.Glu419Asp). This variant also falls at the last nucleotide of exon 9, which is part of the consensus splice site for this exon. This variant is present in population databases (rs374136816, gnomAD 0.007%). This variant has not been reported in the literature in individuals affected with PDE6B-related conditions. An algorithm developed to predict the effect of missense changes on protein structure and function (PolyPhen-2) suggests that this variant is likely to be tolerated. Variants that disrupt the consensus splice site are a relatively common cause of aberrant splicing (PMID: 17576681, 9536098). In summary, the available evidence is currently insufficient to determine the role of this variant in disease. Therefore, it has been classified as a Variant of Uncertain Significance.

Literature cited by the submitters: PubMed 17576681; PubMed 9536098.